The following is an entry in ClinVar:

ClinVar aggregate classification (germline): Uncertain significance. Review status: criteria provided, multiple submitters, no conflicts (2 of 4 stars). 2 submissions from 2 submitters: Uncertain significance (2). Last evaluated 2017-08-15.

Conditions:
Dilated cardiomyopathy 1G (CMD1G). Identifiers: Orphanet 154, MedGen C1858763, MONDO:0011400, OMIM 604145.
Autosomal recessive limb-girdle muscular dystrophy type 2J (LGMDR10). Also called: MUSCULAR DYSTROPHY, LIMB-GIRDLE, AUTOSOMAL RECESSIVE 10; Limb-girdle muscular dystrophy, type 2J. Identifiers: Orphanet 140922, MedGen C1837342, MONDO:0012127, OMIM 608807.

Submissions (2):

Labcorp Genetics (formerly Invitae), Labcorp
Classification: Uncertain significance for Dilated cardiomyopathy 1G; Autosomal recessive limb-girdle muscular dystrophy type 2J. Last evaluated: 2017-08-15. Review status: criteria provided, single submitter. Criteria: Invitae Variant Classification Sherloc (09022015). Collection method: clinical testing. Allele origin: germline.

GeneDx
Classification: Uncertain significance. Last evaluated: 2013-01-03. Review status: criteria provided, single submitter. Criteria: GeneDx Variant Classification (06012015). Collection method: clinical testing. Allele origin: germline. Affected: yes.
Comment: Missense variants in the TTN gene are considered 'unclassified' if they are not previously reported in the literature and do not have >1% frequency in the population to be considered a polymorphism. Research indicates that truncating mutations in the TTN gene are expected to account for approximately 25% of familial and 18% of sporadic idiopathic DCM; however, truncating variants in the TTN gene have been reported in approximately 3% of reported control alleles. There has been little investigation into non-truncating variants. (Herman D et al. Truncations of titin causing dilated cardiomyopathy. N Eng J Med 366:619-628, 2012) The variant is found in DCM panel(s).

NM_001267550.2(TTN):c.72716T>C (p.Met24239Thr)

Genes: TTN-AS1 (TTN antisense RNA 1; plus strand), TTN (titin; minus strand). Cytogenetic location: 2q31.2.
Variant type: single nucleotide variant.
Coding change: c.72716T>C on transcript NM_001267550.2 (MANE Select); coding-DNA position 72716, T replaced by C.
Protein change: p.Met24239Thr; replaces methionine 24239 with threonine.
Molecular consequence: missense variant.
Genome position (GRCh38, 1-based): chr2:178,573,416, A>G on the plus strand (T>C on the coding strand, the complement: TTN is on the minus strand). VCF-style: chr2-178573416-A-G. GRCh37 (hg19) VCF-style: chr2-179438143-A-G.
Other names: p.M22598T:ATG>ACG; c.67793T>C, p.Met22598Thr (NM_001256850.1); c.45521T>C, p.Met15174Thr (NM_003319.4); c.65012T>C, p.Met21671Thr (NM_133378.4); c.45896T>C, p.Met15299Thr (NM_133432.3); c.46097T>C, p.Met15366Thr (NM_133437.4); short protein forms M22598T, M24239T, M15174T, M15299T, M15366T, M21671T.
Identifiers: ClinVar variation 202843 (VCV000202843.4), dbSNP rs750298083, ClinGen allele CA310457.